The following is an entry in ClinVar:

NM_032380.5(GFM2):c.1588-1G>A

Gene: GFM2 (GTP dependent ribosome recycling factor mitochondrial 2; minus strand). Cytogenetic location: 5q13.3.
Variant type: single nucleotide variant.
Coding change: c.1588-1G>A on transcript NM_032380.5 (MANE Select); the canonical splice acceptor site of the intron before coding-DNA position 1588, G replaced by A.
Molecular consequence: splice acceptor variant.
Genome position (GRCh38, 1-based): chr5:74,730,399, C>T on the plus strand (G>A on the coding strand, the complement: GFM2 is on the minus strand). VCF-style: chr5-74730399-C-T. GRCh37 (hg19) VCF-style: chr5-74026224-C-T.
Other names: c.1447-1G>A (NM_170691.3); c.1684-1G>A (NM_001281302.2).
Identifiers: ClinVar variation 3655235 (VCV003655235.2).

ClinVar aggregate classification (germline): Uncertain significance (1 of 4 stars; one submission).

Submission:

Labcorp Genetics (formerly Invitae), Labcorp
Classification: Uncertain significance. Last evaluated: 2024-10-24. Review status: criteria provided, single submitter. Criteria: Invitae Variant Classification Sherloc (09022015). Collection method: clinical testing. Allele origin: germline.
Comment: This sequence change affects an acceptor splice site in intron 16 of the GFM2 gene. It is expected to disrupt RNA splicing. Variants that disrupt the donor or acceptor splice site typically lead to a loss of protein function (PMID: 16199547), however the current clinical and genetic evidence is not sufficient to establish whether loss-of-function variants in GFM2 cause disease. This variant is not present in population databases (gnomAD no frequency). This variant has not been reported in the literature in individuals affected with GFM2-related conditions. Algorithms developed to predict the effect of sequence changes on RNA splicing suggest that this variant may disrupt the consensus splice site. In summary, the available evidence is currently insufficient to determine the role of this variant in disease. Therefore, it has been classified as a Variant of Uncertain Significance.

Literature cited by the submitters: PubMed 16199547.